The following is an entry in ClinVar:

ClinVar aggregate classification (germline): Pathogenic/Likely pathogenic. Review status: criteria provided, multiple submitters, no conflicts (2 of 4 stars). 2 submissions from 2 submitters: Pathogenic (1); Likely pathogenic (1). Last evaluated 2024-03-21.

Conditions:
Fraser syndrome 1 (FRASRS1). Also called: CRYPTOPHTHALMOS WITH OTHER MALFORMATIONS. Identifiers: Orphanet 2052, MedGen C4551480, MONDO:0054737, OMIM 219000.

Submissions (2):

Fulgent Genetics
Classification: Likely pathogenic for Fraser syndrome 1. Last evaluated: 2024-03-21. Review status: criteria provided, single submitter. Criteria: ACMG Guidelines, 2015. Collection method: clinical testing. Allele origin: germline.

Labcorp Genetics (formerly Invitae), Labcorp
Classification: Pathogenic. Last evaluated: 2024-01-11. Review status: criteria provided, single submitter. Criteria: Invitae Variant Classification Sherloc (09022015). Collection method: clinical testing. Allele origin: germline.
Comment: This sequence change creates a premature translational stop signal (p.Gln128Profs*18) in the FRAS1 gene. It is expected to result in an absent or disrupted protein product. Loss-of-function variants in FRAS1 are known to be pathogenic (PMID: 12766769, 18671281). This variant is not present in population databases (gnomAD no frequency). This variant has not been reported in the literature in individuals affected with FRAS1-related conditions. For these reasons, this variant has been classified as Pathogenic.

Literature cited by the submitters: PubMed 12766769 (cited by Labcorp Genetics (formerly Invitae), Labcorp); PubMed 18671281 (cited by Labcorp Genetics (formerly Invitae), Labcorp).

NM_025074.7(FRAS1):c.382dup (p.Gln128fs)

Gene: FRAS1 (Fraser extracellular matrix complex subunit 1; plus strand). Cytogenetic location: 4q21.21.
Variant type: Duplication.
Coding change: c.382dup on transcript NM_025074.7 (MANE Select); coding-DNA position 382, one base duplicated (C; older notation c.382dupC).
Protein change: p.Gln128fs; shifts the reading frame from glutamine 128.
Molecular consequence: frameshift variant.
Genome position (GRCh38, 1-based): chr4:78,252,464, C duplicated; the last of 6 consecutive C bases (chr4:78,252,459-78,252,464); duplicating any one gives the same sequence. VCF-style (leftmost placement, unchanged base first): chr4-78252458-A-AC. GRCh37 (hg19) VCF-style: chr4-79173612-A-AC.
Other names: c.382dup, p.Gln128fs (NM_001166133.2); short protein forms Q128fs.
Identifiers: ClinVar variation 2879488 (VCV002879488.4), dbSNP rs771770547, ClinGen allele CA798755850.
Genomic context (GRCh38, chr4:78,252,458, plus strand): 5'-ACAGAATGGGCCTCTTCTCCATGTAGTGTGTGCTCTTGCAATCATGGGGAAGTCCGATGT[A>AC]CCCCCCAACCATGCCCACCGCTGTCATGTGGACACCAGGAGCTGGCATTCATCCCTGAAG-3'